The following is an entry in ClinVar:

ClinVar aggregate classification (germline): Benign/Likely benign. Review status: criteria provided, multiple submitters, no conflicts (2 of 4 stars). 4 submissions from 4 submitters: Benign (1); Likely benign (3). Last evaluated 2026-08-25.

Conditions:
MCM2-related disorder. Also called: MCM2-related condition.

Allele frequency attached by ClinVar (database versions not stated): TOPMed 0.00108; gnomAD 0.00112 and 0.00120; 1000 Genomes Project 0.00120; 1000 Genomes Project 30x 0.00125; ESP Exome Variant Server 0.00138; gnomAD exomes 0.00011 and 0.00032; ExAC 0.00035.
gnomAD v4.1: 345 of 1,614,204 alleles (0.021%); highest among the groups gnomAD compares: African/African-American, 0.27%; 1 homozygote.

Submissions (4):

PreventionGenetics, part of Exact Sciences
Classification: Likely benign for MCM2-related condition. Last evaluated: 2026-08-25. Review status: criteria provided, single submitter. Criteria: ACMG Guidelines, 2015. Collection method: clinical testing. Allele origin: germline.
Comment: This variant is classified as likely benign based on ACMG/AMP sequence variant interpretation guidelines (Richards et al. 2015 PMID: 25741868, with internal and published modifications).

Labcorp Genetics (formerly Invitae), Labcorp
Classification: Benign. Last evaluated: 2025-02-22. Review status: criteria provided, single submitter. Criteria: Invitae Variant Classification Sherloc (09022015). Collection method: clinical testing. Allele origin: germline.

Blueprint Genetics
Classification: Likely benign. Last evaluated: 2024-10-02. Review status: criteria provided, single submitter. Criteria: ACMG Guidelines, 2015. Collection method: clinical testing. Allele origin: germline.

GeneDx
Classification: Likely benign. Last evaluated: 2020-03-12. Review status: criteria provided, single submitter. Criteria: GeneDx Variant Classification Process June 2021. Collection method: clinical testing. Allele origin: germline. Affected: yes.

NM_004526.4(MCM2):c.1197C>T (p.Leu399=)

Gene: MCM2 (minichromosome maintenance complex component 2; plus strand). Cytogenetic location: 3q21.3.
Variant type: single nucleotide variant.
Coding change: c.1197C>T on transcript NM_004526.4 (MANE Select); coding-DNA position 1197, C replaced by T.
Protein change: p.Leu399=; no amino-acid change (leucine 399 retained).
Molecular consequence: synonymous variant. On other transcripts: non-coding transcript variant (1).
Genome position (GRCh38, 1-based): chr3:127,608,477, C>T. VCF-style: chr3-127608477-C-T. GRCh37 (hg19) VCF-style: chr3-127327320-C-T.
Identifiers: ClinVar variation 1318279 (VCV001318279.11), dbSNP rs3087449, ClinGen allele CA2595818.